The following is an entry in ClinVar:

ClinVar aggregate classification (germline): Conflicting classifications of pathogenicity. Review status: criteria provided, conflicting classifications (1 of 4 stars). 5 submissions from 5 submitters: Uncertain significance (4); Likely benign (1). Last evaluated 2026-01-28.

Conditions:
Atrial septal defect 4 (ASD4). Identifiers: Orphanet 1478, MedGen C1969657, MONDO:0012654, OMIM 611363.
Cardiovascular phenotype. Identifiers: MedGen CN230736.

Allele frequency attached by ClinVar (database versions not stated): gnomAD exomes 0.00012; gnomAD 0.00015; TOPMed 0.00017; ExAC 0.00019; ESP Exome Variant Server 0.00041.
gnomAD v4.1: 124 of 1,605,334 alleles (0.0077%); highest among the groups gnomAD compares: African/African-American, 0.051%; no homozygotes.

Submissions (5):

Labcorp Genetics (formerly Invitae), Labcorp
Classification: Uncertain significance. Last evaluated: 2026-01-28. Review status: criteria provided, single submitter. Criteria: Invitae Variant Classification Sherloc (09022015). Collection method: clinical testing. Allele origin: germline.
Comment: This sequence change replaces arginine, which is basic and polar, with cysteine, which is neutral and slightly polar, at codon 437 of the TBX20 protein (p.Arg437Cys). This variant is present in population databases (rs200704561, gnomAD 0.04%), and has an allele count higher than expected for a pathogenic variant. This variant has not been reported in the literature in individuals affected with TBX20-related conditions. ClinVar contains an entry for this variant (Variation ID: 518611). An algorithm developed to predict the effect of missense changes on protein structure and function (PolyPhen-2) suggests that this variant is likely to be disruptive. In summary, the available evidence is currently insufficient to determine the role of this variant in disease. Therefore, it has been classified as a Variant of Uncertain Significance.

GeneDx
Classification: Uncertain significance. Last evaluated: 2026-01-20. Review status: criteria provided, single submitter. Criteria: GeneDx Variant Classification Process June 2021. Collection method: clinical testing. Allele origin: germline. Affected: yes.
Comment: In silico analysis suggests that this missense variant does not alter protein structure/function; Has not been previously published as pathogenic or benign to our knowledge

Blueprint Genetics
Classification: Likely benign. Last evaluated: 2024-11-19. Review status: criteria provided, single submitter. Criteria: ACMG Guidelines, 2015. Collection method: clinical testing. Allele origin: germline.

Ambry Genetics
Classification: Uncertain significance for Cardiovascular phenotype. Last evaluated: 2023-12-04. Review status: criteria provided, single submitter. Criteria: Ambry Variant Classification Scheme 2023. Collection method: clinical testing. Allele origin: germline.
Comment: The p.R437C variant (also known as c.1309C>T), located in coding exon 8 of the TBX20 gene, results from a C to T substitution at nucleotide position 1309. The arginine at codon 437 is replaced by cysteine, an amino acid with highly dissimilar properties. This amino acid position is highly conserved in available vertebrate species. In addition, this alteration is predicted to be deleterious by in silico analysis. Since supporting evidence is limited at this time, the clinical significance of this alteration remains unclear.

Fulgent Genetics
Classification: Uncertain significance for Atrial septal defect 4. Last evaluated: 2021-09-16. Review status: criteria provided, single submitter. Criteria: ACMG Guidelines, 2015. Collection method: clinical testing. Allele origin: unknown.

NM_001077653.2(TBX20):c.1309C>T (p.Arg437Cys)

Gene: TBX20 (T-box transcription factor 20; minus strand). Cytogenetic location: 7p14.2.
Variant type: single nucleotide variant.
Coding change: c.1309C>T on transcript NM_001077653.2 (MANE Select); coding-DNA position 1309, C replaced by T.
Protein change: p.Arg437Cys; replaces arginine 437 with cysteine.
Molecular consequence: missense variant.
Genome position (GRCh38, 1-based): chr7:35,202,465, G>A on the plus strand (C>T on the coding strand, the complement: TBX20 is on the minus strand). VCF-style: chr7-35202465-G-A. GRCh37 (hg19) VCF-style: chr7-35242077-G-A.
Other names: c.1309C>T, p.Arg437Cys (LRG_755t1); short protein forms R437C.
Identifiers: ClinVar variation 518611 (VCV000518611.18), dbSNP rs200704561, ClinGen allele CA4217319.